The following is an entry in ClinVar:

NM_021224.6(ZNF462):c.4912G>A (p.Glu1638Lys)

Gene: ZNF462 (zinc finger protein 462; plus strand). Cytogenetic location: 9q31.2.
Variant type: single nucleotide variant.
Coding change: c.4912G>A on transcript NM_021224.6 (MANE Select); coding-DNA position 4912, G replaced by A.
Protein change: p.Glu1638Lys; replaces glutamic acid 1638 with lysine.
Molecular consequence: missense variant. On other transcripts: intron variant (1).
Genome position (GRCh38, 1-based): chr9:106,928,824, G>A. VCF-style: chr9-106928824-G-A. GRCh37 (hg19) VCF-style: chr9-109691105-G-A.
Other names: c.3252+1660G>A (NM_001347997.2); short protein forms E1638K.
Identifiers: ClinVar variation 3764447 (VCV003764447.2).

ClinVar aggregate classification (germline): Uncertain significance (1 of 4 stars; one submission).

Submission:

GeneDx
Classification: Uncertain significance. Last evaluated: 2025-03-10. Review status: criteria provided, single submitter. Criteria: GeneDx Variant Classification Process June 2021. Collection method: clinical testing. Allele origin: germline.
Comment: Not observed at significant frequency in large population cohorts (gnomAD); In silico analysis indicates that this missense variant does not alter protein structure/function; Has not been previously published as pathogenic or benign to our knowledge